The following is an entry in ClinVar:

ClinVar aggregate classification (germline): Uncertain significance. Review status: criteria provided, multiple submitters, no conflicts (2 of 4 stars). 3 submissions from 3 submitters: Uncertain significance (3). Last evaluated 2024-05-07.

Conditions:
Hereditary nonpolyposis colorectal neoplasms. Identifiers: MedGen C0009405, MeSH D003123.
Hereditary cancer-predisposing syndrome. Also called: Hereditary Cancer Syndrome; Hereditary neoplastic syndrome; Neoplastic Syndromes, Hereditary; Tumor predisposition. Identifiers: Orphanet 140162, MedGen C0027672, MeSH D009386, MONDO:0015356.

Submissions (3):

Labcorp Genetics (formerly Invitae), Labcorp
Classification: Uncertain significance for Hereditary nonpolyposis colorectal neoplasms. Last evaluated: 2024-05-07. Review status: criteria provided, single submitter. Criteria: Invitae Variant Classification Sherloc (09022015). Collection method: clinical testing. Allele origin: germline.
Comment: This sequence change replaces leucine, which is neutral and non-polar, with valine, which is neutral and non-polar, at codon 638 of the MSH6 protein (p.Leu638Val). Information on the frequency of this variant in the gnomAD database is not available, as this variant may be reported differently in the database. This variant has not been reported in the literature in individuals affected with MSH6-related conditions. ClinVar contains an entry for this variant (Variation ID: 455163). Experimental studies and prediction algorithms are not available or were not evaluated, and the functional significance of this variant is currently unknown. In summary, the available evidence is currently insufficient to determine the role of this variant in disease. Therefore, it has been classified as a Variant of Uncertain Significance.

Ambry Genetics
Classification: Uncertain significance for Hereditary cancer-predisposing syndrome. Last evaluated: 2024-03-21. Review status: criteria provided, single submitter. Criteria: Ambry Variant Classification Scheme 2023. Collection method: clinical testing. Allele origin: germline.
Comment: The c.1911_1912delCCinsTG variant (also known as p.L638V), located in coding exon 4 of the MSH6 gene, results from an in-frame deletion of CC and insertion of TG at nucleotide positions 1911 to 1912. This results in the substitution of the leucine residue for a valine residue at codon 638, an amino acid with highly similar properties. This amino acid position is not well conserved in available vertebrate species. In addition, this alteration is predicted to be neutral by in silico analysis (Choi Y et al. PLoS ONE. 2012; 7(10):e46688). Based on the available evidence, the clinical significance of this alteration remains unclear.

Color Diagnostics, LLC DBA Color Health
Classification: Uncertain significance for Hereditary cancer-predisposing syndrome. Last evaluated: 2023-05-31. Review status: criteria provided, single submitter. Criteria: ACMG Guidelines, 2015. Collection method: clinical testing. Allele origin: germline.
Comment: This missense variant replaces leucine with valine at codon 638 of the MSH6 protein. To our knowledge, functional studies have not been reported for this variant. This variant has not been reported in individuals affected with MSH6-related disorders in the literature. This variant has not been identified in the general population by the Genome Aggregation Database (gnomAD). The available evidence is insufficient to determine the role of this variant in disease conclusively. Therefore, this variant is classified as a Variant of Uncertain Significance.

NM_000179.3(MSH6):c.1911_1912delinsTG (p.Leu638Val)

Gene: MSH6 (mutS homolog 6; plus strand). Cytogenetic location: 2p16.3.
Variant type: Indel.
Coding change: c.1911_1912delinsTG on transcript NM_000179.3 (MANE Select); coding-DNA positions 1911 to 1912, CC replaced by TG.
Protein change: p.Leu638Val; replaces leucine 638 with valine.
Molecular consequence: missense variant.
Genome position (GRCh38, 1-based): chr2:47,799,894-47,799,895, CC replaced by TG. VCF-style: chr2-47799894-CC-TG. GRCh37 (hg19) VCF-style: chr2-48027033-CC-TG.
Other names: c.1911_1912delCCinsTG (NM_000179.2); c.1521_1522delinsTG, p.Leu508Val (NM_001281492.2); c.1005_1006delinsTG, p.Leu336Val (NM_001281493.2, NM_001281494.2); short protein forms L336V, L508V, L638V.
Identifiers: ClinVar variation 455163 (VCV000455163.14), dbSNP rs1553413293, ClinGen allele CA658655795.